The following is an entry in ClinVar:

NM_004656.4(BAP1):c.157A>T (p.Ile53Phe)

Gene: BAP1 (BRCA1 associated deubiquitinase 1; minus strand). Cytogenetic location: 3p21.1.
Variant type: single nucleotide variant.
Coding change: c.157A>T on transcript NM_004656.4 (MANE Select); coding-DNA position 157, A replaced by T.
Protein change: p.Ile53Phe; replaces isoleucine 53 with phenylalanine.
Molecular consequence: missense variant.
Genome position (GRCh38, 1-based): chr3:52,408,572, T>A on the plus strand (A>T on the coding strand, the complement: BAP1 is on the minus strand). VCF-style: chr3-52408572-T-A. GRCh37 (hg19) VCF-style: chr3-52442588-T-A.
Other names: short protein forms I53F.
Identifiers: ClinVar variation 819593 (VCV000819593.12), dbSNP rs1300365099, ClinGen allele CA353113565.

ClinVar aggregate classification (germline): Uncertain significance. Review status: criteria provided, multiple submitters, no conflicts (2 of 4 stars). 2 submissions from 2 submitters: Uncertain significance (2). Last evaluated 2025-01-16.

Conditions:
Hereditary cancer-predisposing syndrome. Also called: Neoplastic Syndromes, Hereditary; Tumor predisposition; Hereditary Cancer Syndrome; Hereditary neoplastic syndrome. Identifiers: Orphanet 140162, MedGen C0027672, MeSH D009386, MONDO:0015356.
BAP1-related tumor predisposition syndrome (TPDS1). Also called: Tumor susceptibility linked to germline BAP1 mutations; BAP1 tumor predisposition syndrome; COMMON Syndrome; TUMOR PREDISPOSITION SYNDROME 1. Identifiers: Orphanet 289539, MedGen C3280492, MONDO:0013692, OMIM 614327.

Allele frequency attached by ClinVar (database versions not stated): gnomAD exomes below 0.00001; TOPMed below 0.00001; gnomAD 0.00001.

Submissions (2):

Labcorp Genetics (formerly Invitae), Labcorp
Classification: Uncertain significance for BAP1-related tumor predisposition syndrome. Last evaluated: 2025-01-16. Review status: criteria provided, single submitter. Criteria: Invitae Variant Classification Sherloc (09022015). Collection method: clinical testing. Allele origin: germline.
Comment: This sequence change replaces isoleucine, which is neutral and non-polar, with phenylalanine, which is neutral and non-polar, at codon 53 of the BAP1 protein (p.Ile53Phe). This variant is not present in population databases (gnomAD no frequency). This variant has not been reported in the literature in individuals affected with BAP1-related conditions. ClinVar contains an entry for this variant (Variation ID: 819593). Invitae Evidence Modeling of protein sequence and biophysical properties (such as structural, functional, and spatial information, amino acid conservation, physicochemical variation, residue mobility, and thermodynamic stability) indicates that this missense variant is expected to disrupt BAP1 protein function with a positive predictive value of 80%. In summary, the available evidence is currently insufficient to determine the role of this variant in disease. Therefore, it has been classified as a Variant of Uncertain Significance.

Ambry Genetics
Classification: Uncertain significance for Hereditary cancer-predisposing syndrome. Last evaluated: 2025-01-13. Review status: criteria provided, single submitter. Criteria: Ambry Variant Classification Scheme 2023. Collection method: clinical testing. Allele origin: germline.
Comment: The p.I53F variant (also known as c.157A>T), located in coding exon 4 of the BAP1 gene, results from an A to T substitution at nucleotide position 157. The isoleucine at codon 53 is replaced by phenylalanine, an amino acid with highly similar properties. This amino acid position is highly conserved in available vertebrate species. In addition, the in silico prediction for this alteration is inconclusive. Based on the available evidence, the clinical significance of this variant remains unclear.